The following is an entry in ClinVar:

ClinVar aggregate classification (germline): Conflicting classifications of pathogenicity. Review status: criteria provided, conflicting classifications (1 of 4 stars). 4 submissions from 4 submitters: Uncertain significance (1); Benign (1); Likely benign (2). Last evaluated 2026-03-01.

Conditions:
ALG12-congenital disorder of glycosylation (CDG1G). Also called: Congenital disorder of glycosylation, type Ig; CDG Ig; ALG12-CDG. Identifiers: Orphanet 79324, MedGen C2931001, MONDO:0011783, OMIM 607143.

Allele frequency attached by ClinVar (database versions not stated): gnomAD exomes 0.00065; ExAC 0.00074; 1000 Genomes Project 30x 0.00141; 1000 Genomes Project 0.00160; gnomAD 0.00259 and 0.00282; TOPMed 0.00272; ESP Exome Variant Server 0.00331.
gnomAD v4.1: 826 of 1,614,192 alleles (0.051%); highest among the groups gnomAD compares: African/African-American, 0.96%; 4 homozygotes.

Submissions (4):

CeGaT Center for Human Genetics Tuebingen
Classification: Likely benign. Last evaluated: 2026-03-01. Review status: criteria provided, single submitter. Criteria: CeGaT Center For Human Genetics Tuebingen Variant Classification Criteria Version 2. Collection method: clinical testing. Allele origin: germline. Affected: yes. Observed: 1 variant allele.
Comment: ALG12: BP4, BP7

Labcorp Genetics (formerly Invitae), Labcorp
Classification: Benign for ALG12-congenital disorder of glycosylation. Last evaluated: 2026-01-27. Review status: criteria provided, single submitter. Criteria: Invitae Variant Classification Sherloc (09022015). Collection method: clinical testing. Allele origin: germline.

Blueprint Genetics
Classification: Likely benign. Last evaluated: 2024-08-30. Review status: criteria provided, single submitter. Criteria: ACMG Guidelines, 2015. Collection method: clinical testing. Allele origin: germline.

Eurofins Ntd Llc (ga)
Classification: Uncertain significance. Last evaluated: 2012-07-25. Review status: criteria provided, single submitter. Criteria: EGL Classification Definitions 2015. Collection method: clinical testing. Allele origin: germline. Observed: 1 variant allele, 1 heterozygote.

NM_024105.4(ALG12):c.1155C>T (p.Pro385=)

Gene: ALG12 (ALG12 alpha-1,6-mannosyltransferase; minus strand). Cytogenetic location: 22q13.33.
Variant type: single nucleotide variant.
Coding change: c.1155C>T on transcript NM_024105.4 (MANE Select); coding-DNA position 1155, C replaced by T.
Protein change: p.Pro385=; no amino-acid change (proline 385 retained).
Molecular consequence: synonymous variant.
Genome position (GRCh38, 1-based): chr22:49,904,344, G>A on the plus strand (C>T on the coding strand, the complement: ALG12 is on the minus strand). VCF-style: chr22-49904344-G-A. GRCh37 (hg19) VCF-style: chr22-50297992-G-A.
Identifiers: ClinVar variation 96094 (VCV000096094.20), dbSNP rs113652023, ClinGen allele CA223733.